The following is an entry in ClinVar:

NM_001303.4(COX10):c.1292G>C (p.Arg431Pro)

Gene: COX10 (cytochrome c oxidase assembly factor heme A:farnesyltransferase COX10; plus strand). Cytogenetic location: 17p12.
Variant type: single nucleotide variant.
Coding change: c.1292G>C on transcript NM_001303.4 (MANE Select); coding-DNA position 1292, G replaced by C.
Protein change: p.Arg431Pro; replaces arginine 431 with proline.
Molecular consequence: missense variant.
Genome position (GRCh38, 1-based): chr17:14,207,173, G>C. VCF-style: chr17-14207173-G-C. GRCh37 (hg19) VCF-style: chr17-14110490-G-C.
Other names: p.Arg431Pro; short protein forms R431P.
Identifiers: ClinVar variation 3581683 (VCV003581683.2).

ClinVar aggregate classification (germline): Likely benign. Review status: criteria provided, multiple submitters, no conflicts (2 of 4 stars). 2 submissions from 2 submitters: Likely benign (2). Last evaluated 2025-05-24.

Conditions:
Mitochondrial complex IV deficiency, nuclear type 3. Also called: Mitochondrial complex 4 deficiency, nuclear type 3. Identifiers: MedGen C5436682, MONDO:0033635, OMIM 619046.

gnomAD v4.1: 181 of 1,608,938 alleles (0.011%); highest among the groups gnomAD compares: South Asian, 0.19%; 2 homozygotes.

Submissions (2):

Mayo Clinic Laboratories, Mayo Clinic
Classification: Likely benign. Last evaluated: 2025-05-24. Review status: criteria provided, single submitter. Criteria: ACMG Guidelines, 2015. Collection method: clinical testing. Allele origin: germline. Observed: 1 variant allele.
Comment: BS1, BP4

Fulgent Genetics
Classification: Likely benign for Mitochondrial complex IV deficiency, nuclear type 3. Last evaluated: 2024-05-21. Review status: criteria provided, single submitter. Criteria: ACMG Guidelines, 2015. Collection method: clinical testing. Allele origin: germline.